The following is an entry in ClinVar:

ClinVar aggregate classification (germline): Uncertain significance (1 of 4 stars; one submission).

Conditions:
Landau-Kleffner syndrome (FESD). Also called: EPILEPSY, FOCAL, WITH SPEECH DISORDER AND WITH OR WITHOUT MENTAL RETARDATION; APHASIA, ACQUIRED, WITH EPILEPSY. Identifiers: Orphanet 1945, Orphanet 725, Orphanet 98818, MedGen C0282512, MONDO:0009509, OMIM 245570.

gnomAD v4.1: 1 of 1,614,172 alleles (0.000062%); highest among the groups gnomAD compares: Non-Finnish European, 0.000085%; no homozygotes.

Submission:

Labcorp Genetics (formerly Invitae), Labcorp
Classification: Uncertain significance for Landau-Kleffner syndrome. Last evaluated: 2022-07-06. Review status: criteria provided, single submitter. Criteria: Invitae Variant Classification Sherloc (09022015). Collection method: clinical testing. Allele origin: germline.
Comment: Advanced modeling of protein sequence and biophysical properties (such as structural, functional, and spatial information, amino acid conservation, physicochemical variation, residue mobility, and thermodynamic stability) performed at Invitae indicates that this missense variant is expected to disrupt GRIN2A protein function. This variant has not been reported in the literature in individuals affected with GRIN2A-related conditions. This variant is not present in population databases (gnomAD no frequency). This sequence change replaces arginine, which is basic and polar, with leucine, which is neutral and non-polar, at codon 846 of the GRIN2A protein (p.Arg846Leu). In summary, the available evidence is currently insufficient to determine the role of this variant in disease. Therefore, it has been classified as a Variant of Uncertain Significance.

NM_001134407.3(GRIN2A):c.2537G>T (p.Arg846Leu)

Gene: GRIN2A (glutamate ionotropic receptor NMDA type subunit 2A; minus strand). Cytogenetic location: 16p13.2.
Variant type: single nucleotide variant.
Coding change: c.2537G>T on transcript NM_001134407.3 (MANE Select); coding-DNA position 2537, G replaced by T.
Protein change: p.Arg846Leu; replaces arginine 846 with leucine.
Molecular consequence: missense variant.
Genome position (GRCh38, 1-based): chr16:9,768,909, C>A on the plus strand (G>T on the coding strand, the complement: GRIN2A is on the minus strand). VCF-style: chr16-9768909-C-A. GRCh37 (hg19) VCF-style: chr16-9862766-C-A.
Other names: c.2537G>T, p.Arg846Leu (NM_000833.5, NM_001134408.2); short protein forms R846L.
Identifiers: ClinVar variation 2014710 (VCV002014710.4), dbSNP rs746978701, ClinGen allele CA394709915.